The following is an entry in ClinVar:

NM_000815.5(GABRD):c.1060-3C>A

Gene: GABRD (gamma-aminobutyric acid type A receptor subunit delta; plus strand). Cytogenetic location: 1p36.33.
Variant type: single nucleotide variant.
Coding change: c.1060-3C>A on transcript NM_000815.5 (MANE Select); 3 bases into the intron before coding-DNA position 1060, C replaced by A.
Molecular consequence: intron variant.
Genome position (GRCh38, 1-based): chr1:2,029,980, C>A. VCF-style: chr1-2029980-C-A. GRCh37 (hg19) VCF-style: chr1-1961419-C-A.
Identifiers: ClinVar variation 2853654 (VCV002853654.3), dbSNP rs748924840, ClinGen allele CA534901.

ClinVar aggregate classification (germline): Uncertain significance (1 of 4 stars; one submission).

Conditions:
Idiopathic generalized epilepsy. Also called: Generalised epilepsy; EIG. Identifiers: MedGen C0270850, MONDO:0005579, OMIM 600669.

Allele frequency attached by ClinVar (database versions not stated): ExAC 0.00002.

Submission:

Labcorp Genetics (formerly Invitae), Labcorp
Classification: Uncertain significance for Idiopathic generalized epilepsy. Last evaluated: 2023-04-08. Review status: criteria provided, single submitter. Criteria: Invitae Variant Classification Sherloc (09022015). Collection method: clinical testing. Allele origin: germline.
Comment: In summary, the available evidence is currently insufficient to determine the role of this variant in disease. Therefore, it has been classified as a Variant of Uncertain Significance. Variants that disrupt the consensus splice site are a relatively common cause of aberrant splicing (PMID: 17576681, 9536098). Algorithms developed to predict the effect of sequence changes on RNA splicing suggest that this variant may create or strengthen a splice site. This variant has not been reported in the literature in individuals affected with GABRD-related conditions. The frequency data for this variant in the population databases is considered unreliable, as metrics indicate poor data quality at this position in the gnomAD database. This sequence change falls in intron 8 of the GABRD gene. It does not directly change the encoded amino acid sequence of the GABRD protein. It affects a nucleotide within the consensus splice site.

Literature cited by the submitters: PubMed 17576681; PubMed 9536098.